The following is an entry in ClinVar:

ClinVar aggregate classification (germline): Uncertain significance. Review status: criteria provided, multiple submitters, no conflicts (2 of 4 stars). 2 submissions from 2 submitters: Uncertain significance (2). Last evaluated 2025-11-22.

Conditions:
Hereditary nonpolyposis colorectal neoplasms. Identifiers: MedGen C0009405, MeSH D003123.
Hereditary cancer-predisposing syndrome. Also called: Tumor predisposition; Hereditary Cancer Syndrome; Hereditary neoplastic syndrome; Neoplastic Syndromes, Hereditary. Identifiers: Orphanet 140162, MedGen C0027672, MeSH D009386, MONDO:0015356.

gnomAD v4.1: 1 of 1,613,886 alleles (0.000062%); highest among the groups gnomAD compares: Non-Finnish European, 0.000085%; no homozygotes.

Submissions (2):

Ambry Genetics
Classification: Uncertain significance for Hereditary cancer-predisposing syndrome. Last evaluated: 2025-11-22. Review status: criteria provided, single submitter. Criteria: Ambry Variant Classification Scheme 2023. Collection method: clinical testing. Allele origin: germline.
Comment: The p.P199S variant (also known as c.595C>T), located in coding exon 3 of the MSH6 gene, results from a C to T substitution at nucleotide position 595. The proline at codon 199 is replaced by serine, an amino acid with similar properties. This amino acid position is conserved. In addition, the in silico prediction for this alteration is inconclusive. Since supporting evidence is limited at this time, the clinical significance of this alteration remains unclear.

Labcorp Genetics (formerly Invitae), Labcorp
Classification: Uncertain significance for Hereditary nonpolyposis colorectal neoplasms. Last evaluated: 2024-04-27. Review status: criteria provided, single submitter. Criteria: Invitae Variant Classification Sherloc (09022015). Collection method: clinical testing. Allele origin: germline.
Comment: This sequence change replaces proline, which is neutral and non-polar, with serine, which is neutral and polar, at codon 199 of the MSH6 protein (p.Pro199Ser). This variant is not present in population databases (gnomAD no frequency). This variant has not been reported in the literature in individuals affected with MSH6-related conditions. ClinVar contains an entry for this variant (Variation ID: 2587346). Advanced modeling of protein sequence and biophysical properties (such as structural, functional, and spatial information, amino acid conservation, physicochemical variation, residue mobility, and thermodynamic stability) performed at Invitae indicates that this missense variant is not expected to disrupt MSH6 protein function with a negative predictive value of 95%. In summary, the available evidence is currently insufficient to determine the role of this variant in disease. Therefore, it has been classified as a Variant of Uncertain Significance.

NM_000179.3(MSH6):c.595C>T (p.Pro199Ser)

Gene: MSH6 (mutS homolog 6; plus strand). Cytogenetic location: 2p16.3.
Variant type: single nucleotide variant.
Coding change: c.595C>T on transcript NM_000179.3 (MANE Select); coding-DNA position 595, C replaced by T.
Protein change: p.Pro199Ser; replaces proline 199 with serine.
Molecular consequence: missense variant. On other transcripts: 5 prime UTR variant (2), non-coding transcript variant (5), intron variant (8).
Genome position (GRCh38, 1-based): chr2:47,796,031, C>T. VCF-style: chr2-47796031-C-T. GRCh37 (hg19) VCF-style: chr2-48023170-C-T.
Other names: c.595C>T, p.Pro199Ser (NM_001406798.1, NM_001406800.1, NM_001406803.1 and 5 more transcripts); c.70C>T, p.Pro24Ser (NM_001406799.1, NM_001406806.1, NM_001406807.1); c.298C>T, p.Pro100Ser (NM_001406801.1, NM_001406805.1, NM_001406818.1 and 10 more transcripts); c.691C>T, p.Pro231Ser (NM_001406802.1, NM_001406795.1); c.517C>T, p.Pro173Ser (NM_001406804.1); c.601C>T, p.Pro201Ser (NM_001406813.1); c.-400C>T (NM_001406814.1); c.427C>T, p.Pro143Ser (NM_001406826.1); and 3 more; short protein forms P100S, P201S, P143S, P173S, P199S, P24S, P231S.
Identifiers: ClinVar variation 2587346 (VCV002587346.5), dbSNP rs1475759670, ClinGen allele CA346738844.